The following is an entry in ClinVar:

ClinVar aggregate classification (germline): Uncertain significance (1 of 4 stars; one submission).

Conditions:
Hearing loss, autosomal dominant 80. Also called: DEAFNESS, AUTOSOMAL DOMINANT 80. Identifiers: MedGen C5543289, MONDO:0030998, OMIM 619274.
Renal hypodysplasia/aplasia 3 (RHDA3). Identifiers: MedGen C4540497, MONDO:0024520, OMIM 617805.

Submission:

Juno Genomics, Hangzhou Juno Genomics, Inc
Classification: Uncertain significance for Hearing loss, autosomal dominant 80; Renal hypodysplasia/aplasia 3. Review status: criteria provided, single submitter. Criteria: ACMG Guidelines, 2015. Collection method: clinical testing. Allele origin: germline.
Comment: Missense variant in a gene that has a low rate of benign missense variation.;Multiple lines of computational evidence support a deleterious effect on the gene or gene product.;Absent from controls (or at extremely low frequency if recessive) in Genome Aggregation Database.

NM_001142966.3(GREB1L):c.370G>A (p.Gly124Arg)

Genes: GREB1L (GREB1 like retinoic acid receptor coactivator; plus strand), GREB1L-AS1 (GREB1L antisense RNA 1; minus strand). Cytogenetic location: 18q11.1.
Variant type: single nucleotide variant.
Coding change: c.370G>A on transcript NM_001142966.3 (MANE Select); coding-DNA position 370, G replaced by A.
Protein change: p.Gly124Arg; replaces glycine 124 with arginine.
Molecular consequence: missense variant.
Genome position (GRCh38, 1-based): chr18:21,395,399, G>A. VCF-style: chr18-21395399-G-A. GRCh37 (hg19) VCF-style: chr18-18975360-G-A.
Other names: c.370G>A, p.Gly124Arg (NM_001410867.1, NM_001410868.1); short protein forms G124R.
Identifiers: ClinVar variation 5005861 (VCV005005861.2).